The following is an entry in ClinVar:

ClinVar aggregate classification (germline): Benign/Likely benign. Review status: criteria provided, multiple submitters, no conflicts (2 of 4 stars). 4 submissions from 4 submitters: Benign (1); Likely benign (3). Last evaluated 2026-09-01.

Conditions:
Imerslund-Grasbeck syndrome type 1 (IGS1). Also called: Megaloblastic anemia 1, Finnish type; MEGALOBLASTIC ANEMIA, 1; Imerslund-Gräsbeck syndrome 1. Identifiers: MedGen C4016819, MONDO:0100156, OMIM 261100.
Imerslund-Grasbeck syndrome. Also called: ENTEROCYTE COBALAMIN MALABSORPTION; ENTEROCYTE INTRINSIC FACTOR RECEPTOR, DEFECT OF; PERNICIOUS ANEMIA, JUVENILE, DUE TO SELECTIVE INTESTINAL MALABSORPTION OF VITAMIN B12, WITH PROTEINURIA; Megaloblastic anemia due to inborn errors of metabolism; Imerslund-Gräsbeck syndrome. Identifiers: Orphanet 35858, MedGen C4551825, MONDO:0009853.

Allele frequency attached by ClinVar (database versions not stated): gnomAD exomes 0.00089; ExAC 0.00108; 1000 Genomes Project 0.00300; 1000 Genomes Project 30x 0.00328; gnomAD 0.00350 and 0.00371; TOPMed 0.00373; ESP Exome Variant Server 0.00400.
gnomAD v4.1: 1,121 of 1,614,072 alleles (0.069%); highest among the groups gnomAD compares: African/African-American, 1.1%; 8 homozygotes.

Submissions (4):

CeGaT Center for Human Genetics Tuebingen
Classification: Likely benign. Last evaluated: 2026-09-01. Review status: criteria provided, single submitter. Criteria: CeGaT Center For Human Genetics Tuebingen Variant Classification Criteria Version 2. Collection method: clinical testing. Allele origin: germline. Affected: yes. Observed: 1 variant allele.
Comment: CUBN: BP4, BS1

Labcorp Genetics (formerly Invitae), Labcorp
Classification: Benign for Imerslund-Grasbeck syndrome. Last evaluated: 2025-12-27. Review status: criteria provided, single submitter. Criteria: Invitae Variant Classification Sherloc (09022015). Collection method: clinical testing. Allele origin: germline.

Blueprint Genetics
Classification: Likely benign. Last evaluated: 2024-09-20. Review status: criteria provided, single submitter. Criteria: ACMG Guidelines, 2015. Collection method: clinical testing. Allele origin: germline.

Illumina Laboratory Services, Illumina
Classification: Likely benign for Imerslund-Grasbeck syndrome type 1. Last evaluated: 2018-01-13. Review status: criteria provided, single submitter. Criteria: ICSL Variant Classification Criteria 13 December 2019. Collection method: clinical testing. Allele origin: germline.
Comment: This variant was observed in the ICSL laboratory as part of a predisposition screen in an ostensibly healthy population. It had not been previously curated by ICSL or reported in the Human Gene Mutation Database (HGMD: prior to June 1st, 2018), and was therefore a candidate for classification through an automated scoring system. Utilizing variant allele frequency, disease prevalence and penetrance estimates, and inheritance mode, an automated score was calculated to assess if this variant is too frequent to cause the disease. Based on the score and internal cut-off values, a variant classified as likely benign is not then subjected to further curation. The score for this variant resulted in a classification of likely benign for this disease.

NM_001081.4(CUBN):c.9125A>G (p.Asn3042Ser)

Gene: CUBN (cubilin; minus strand). Cytogenetic location: 10p13.
Variant type: single nucleotide variant.
Coding change: c.9125A>G on transcript NM_001081.4 (MANE Select); coding-DNA position 9125, A replaced by G.
Protein change: p.Asn3042Ser; replaces asparagine 3042 with serine.
Molecular consequence: missense variant.
Genome position (GRCh38, 1-based): chr10:16,874,485, T>C on the plus strand (A>G on the coding strand, the complement: CUBN is on the minus strand). VCF-style: chr10-16874485-T-C. GRCh37 (hg19) VCF-style: chr10-16916484-T-C.
Other names: short protein forms N3042S.
Identifiers: ClinVar variation 695482 (VCV000695482.16), dbSNP rs142581908, ClinGen allele CA5422800.